The following is an entry in ClinVar:

ClinVar aggregate classification (germline): Uncertain significance (1 of 4 stars; one submission).

Allele frequency attached by ClinVar (database versions not stated): gnomAD exomes 0.00001; TOPMed 0.00002; gnomAD 0.00003.
gnomAD v4.1: 8 of 1,614,054 alleles (0.0005%); highest among the groups gnomAD compares: Admixed American, 0.01%; no homozygotes.

Submission:

Ambry Genetics
Classification: Uncertain significance. Last evaluated: 2021-10-29. Review status: criteria provided, single submitter. Criteria: Ambry Variant Classification Scheme 2023. Collection method: clinical testing. Allele origin: germline.
Comment: The p.L113F variant (also known as c.339G>T), located in coding exon 3 of the ALPK2 gene, results from a G to T substitution at nucleotide position 339. The leucine at codon 113 is replaced by phenylalanine, an amino acid with highly similar properties. This amino acid position is conserved. In addition, this alteration is predicted to be tolerated by in silico analysis. Since supporting evidence is limited at this time, the clinical significance of this alteration remains unclear.

NM_052947.4(ALPK2):c.339G>T (p.Leu113Phe)

Gene: ALPK2 (alpha kinase 2; minus strand). Cytogenetic location: 18q21.31.
Variant type: single nucleotide variant.
Coding change: c.339G>T on transcript NM_052947.4 (MANE Select); coding-DNA position 339, G replaced by T.
Protein change: p.Leu113Phe; replaces leucine 113 with phenylalanine.
Molecular consequence: missense variant.
Genome position (GRCh38, 1-based): chr18:58,580,437, C>A on the plus strand (G>T on the coding strand, the complement: ALPK2 is on the minus strand). VCF-style: chr18-58580437-C-A. GRCh37 (hg19) VCF-style: chr18-56247669-C-A.
Other names: short protein forms L113F.
Identifiers: ClinVar variation 1730996 (VCV001730996.2), dbSNP rs1240765109, ClinGen allele CA402568199.